The following is an entry in ClinVar:

NM_000057.4(BLM):c.532G>A (p.Val178Ile)

Gene: BLM (BLM RecQ like helicase; plus strand). Cytogenetic location: 15q26.1.
Variant type: single nucleotide variant.
Coding change: c.532G>A on transcript NM_000057.4 (MANE Select); coding-DNA position 532, G replaced by A.
Protein change: p.Val178Ile; replaces valine 178 with isoleucine.
Molecular consequence: missense variant. On other transcripts: 5 prime UTR variant (1).
Genome position (GRCh38, 1-based): chr15:90,749,800, G>A. VCF-style: chr15-90749800-G-A. GRCh37 (hg19) VCF-style: chr15-91293030-G-A.
Other names: c.532G>A, p.Val178Ile (NM_001287246.2, NM_001287247.2); c.-760G>A (NM_001287248.2); short protein forms V178I.
Identifiers: ClinVar variation 584880 (VCV000584880.7), dbSNP rs1191794374, ClinGen allele CA393840994.

ClinVar aggregate classification (germline): Uncertain significance. Review status: criteria provided, multiple submitters, no conflicts (2 of 4 stars). 2 submissions from 2 submitters: Uncertain significance (2). Last evaluated 2024-07-19.

Conditions:
Bloom syndrome (BLM). Also called: Bloom-Torre-Machacek syndrome. Identifiers: Orphanet 125, MedGen C0005859, MONDO:0008876, OMIM 210900.

Allele frequency attached by ClinVar (database versions not stated): TOPMed below 0.00001.
gnomAD v4.1: 2 of 1,610,104 alleles (0.00012%); highest among the groups gnomAD compares: Non-Finnish European, 0.00017%; no homozygotes.

Submissions (2):

Labcorp Genetics (formerly Invitae), Labcorp
Classification: Uncertain significance for Bloom syndrome. Last evaluated: 2024-07-19. Review status: criteria provided, single submitter. Criteria: Invitae Variant Classification Sherloc (09022015). Collection method: clinical testing. Allele origin: germline.
Comment: This sequence change replaces valine, which is neutral and non-polar, with isoleucine, which is neutral and non-polar, at codon 178 of the BLM protein (p.Val178Ile). This variant is not present in population databases (gnomAD no frequency). This variant has not been reported in the literature in individuals affected with BLM-related conditions. ClinVar contains an entry for this variant (Variation ID: 584880). An algorithm developed to predict the effect of missense changes on protein structure and function outputs the following: PolyPhen-2: "Benign". The isoleucine amino acid residue is found in multiple mammalian species, which suggests that this missense change does not adversely affect protein function. In summary, the available evidence is currently insufficient to determine the role of this variant in disease. Therefore, it has been classified as a Variant of Uncertain Significance.

Mendelics
Classification: Uncertain significance for Bloom syndrome. Last evaluated: 2018-07-02. Review status: criteria provided, single submitter. Criteria: Mendelics Assertion Criteria 2017. Collection method: clinical testing. Allele origin: unknown.